The following is an entry in ClinVar:

NM_001267550.2(TTN):c.9703+4T>C

Gene: TTN (titin; minus strand). Cytogenetic location: 2q31.2.
Variant type: single nucleotide variant.
Coding change: c.9703+4T>C on transcript NM_001267550.2 (MANE Select); 4 bases into the intron after coding-DNA position 9703, T replaced by C.
Molecular consequence: intron variant.
Genome position (GRCh38, 1-based): chr2:178,766,377, A>G on the plus strand (T>C on the coding strand, the complement: TTN is on the minus strand). VCF-style: chr2-178766377-A-G. GRCh37 (hg19) VCF-style: chr2-179631104-A-G.
Other names: c.9565+4T>C (NM_003319.4, NM_133437.4, NM_133432.3); c.9703+4T>C (NM_133378.4, NM_001256850.1, NM_133379.5).
Identifiers: ClinVar variation 1767397 (VCV001767397.26), dbSNP rs753475829, ClinGen allele CA2004262.
Genomic context (GRCh38, chr2:178,766,377, plus strand): 5'-GACTTAAACAGGAGGATTATTTCTGATGGATCCACAAAATATGCTGAAATCTGTCCCTAC[A>G]TACCATTGACATAGAGAGTGACAGAACTCCTGTTCCTTCCTGCCACAAAGGTGTATTCTC-3'

ClinVar aggregate classification (germline): Uncertain significance. Review status: criteria provided, multiple submitters, no conflicts (2 of 4 stars). 2 submissions from 2 submitters: Uncertain significance (2). Last evaluated 2024-02-20.

Conditions:
Cardiovascular phenotype. Identifiers: MedGen CN230736.

Allele frequency attached by ClinVar (database versions not stated): gnomAD 0.00001; TOPMed 0.00002; ExAC 0.00004; gnomAD exomes 0.00007.
gnomAD v4.1: 101 of 1,595,442 alleles (0.0063%); highest among the groups gnomAD compares: East Asian, 0.031%; no homozygotes.

Submissions (2):

Ambry Genetics
Classification: Uncertain significance for Cardiovascular phenotype. Last evaluated: 2024-02-20. Review status: criteria provided, single submitter. Criteria: Ambry Variant Classification Scheme 2023. Collection method: clinical testing. Allele origin: germline.
Comment: The c.9565+4T>C intronic variant results from a T to C substitution 4 nucleotides after coding exon 39 in the TTN gene. This nucleotide position is poorly conserved in available vertebrate species. In silico splice site analysis predicts that this alteration will not have any significant effect on splicing. Since supporting evidence is limited at this time, the clinical significance of this alteration remains unclear.

CeGaT Center for Human Genetics Tuebingen
Classification: Uncertain significance. Last evaluated: 2023-05-01. Review status: criteria provided, single submitter. Criteria: CeGaT Center For Human Genetics Tuebingen Variant Classification Criteria Version 2. Collection method: clinical testing. Allele origin: germline. Affected: yes. Observed: 1 variant allele.
Comment: TTN: PM2, BP4